The following is an entry in ClinVar:

ClinVar aggregate classification (germline): Pathogenic. Review status: criteria provided, multiple submitters, no conflicts (2 of 4 stars). 2 submissions from 2 submitters: Pathogenic (2). Last evaluated 2023-06-27.

Conditions:
Neurofibromatosis, type 1 (NF1). Also called: VON RECKLINGHAUSEN DISEASE; Neurofibromatosis, type I; NEUROFIBROMATOSIS, TYPE I, SOMATIC; Peripheral type neurofibromatosis. Identifiers: Orphanet 636, MedGen C0027831, MONDO:0018975, OMIM 162200. Disease mechanism: loss of function.

Submissions (2):

Labcorp Genetics (formerly Invitae), Labcorp
Classification: Pathogenic for Neurofibromatosis, type 1. Last evaluated: 2023-06-27. Review status: criteria provided, single submitter. Criteria: Invitae Variant Classification Sherloc (09022015). Collection method: clinical testing. Allele origin: germline.
Comment: This sequence change affects a donor splice site in intron 2 of the NF1 gene. RNA analysis indicates that disruption of this splice site induces altered splicing and likely results in the loss of 35 amino acid residue(s), but is expected to preserve the integrity of the reading-frame. For these reasons, this variant has been classified as Pathogenic. This variant disrupts a region of the NF1 protein in which other variant(s) (p.Leu43Pro) have been determined to be pathogenic (PMID: 28529006, 31370276; Invitae). This suggests that this is a clinically significant region of the protein, and that variants that disrupt it are likely to be disease-causing. Studies have shown that disruption of this splice site results in the activation of a cryptic splice site in exon 2 (Invitae). ClinVar contains an entry for this variant (Variation ID: 650586). Disruption of this splice site has been observed in individual(s) with clinical features of neurofibromatosis type 1 (PMID: 10712197, 23758643). This variant is not present in population databases (gnomAD no frequency).

GeneDx
Classification: Pathogenic. Last evaluated: 2022-10-04. Review status: criteria provided, single submitter. Criteria: GeneDx Variant Classification Process June 2021. Collection method: clinical testing. Allele origin: germline. Affected: yes.
Comment: Canonical splice site variant expected to result in aberrant splicing, although in the absence of functional evidence the actual effect of this sequence change is unknown.; Not observed in large population cohorts (gnomAD); Deletions involving coding exons of this gene are a known mechanism of disease (HGMD); This variant is associated with the following publications: (PMID: 25525159, 23758643, 11735023, 10712197)

Literature cited by the submitters: PubMed 28529006 (cited by Labcorp Genetics (formerly Invitae), Labcorp); PubMed 31370276 (cited by Labcorp Genetics (formerly Invitae), Labcorp); PubMed 10712197 (cited by Labcorp Genetics (formerly Invitae), Labcorp); PubMed 23758643 (cited by Labcorp Genetics (formerly Invitae), Labcorp).

NM_001042492.3(NF1):c.204+2T>G

Gene: NF1 (neurofibromin 1; plus strand). Cytogenetic location: 17q11.2.
Variant type: single nucleotide variant.
Coding change: c.204+2T>G on transcript NM_001042492.3 (MANE Select); the canonical splice donor site of the intron after coding-DNA position 204, T replaced by G.
Molecular consequence: splice donor variant.
Genome position (GRCh38, 1-based): chr17:31,156,128, T>G. VCF-style: chr17-31156128-T-G. GRCh37 (hg19) VCF-style: chr17-29483146-T-G.
Other names: c.204+2T>G (NM_000267.4, NM_001128147.3).
Identifiers: ClinVar variation 650586 (VCV000650586.7), dbSNP rs1597626161, ClinGen allele CA398988792.